The following is an entry in ClinVar:

NM_000632.4(ITGAM):c.2851A>G (p.Met951Val)

Gene: ITGAM (integrin subunit alpha M; plus strand). Cytogenetic location: 16p11.2.
Variant type: single nucleotide variant.
Coding change: c.2851A>G on transcript NM_000632.4 (MANE Select); coding-DNA position 2851, A replaced by G.
Protein change: p.Met951Val; replaces methionine 951 with valine.
Molecular consequence: missense variant.
Genome position (GRCh38, 1-based): chr16:31,329,286, A>G. VCF-style: chr16-31329286-A-G. GRCh37 (hg19) VCF-style: chr16-31340607-A-G.
Other names: c.2854A>G, p.Met952Val (NM_001145808.2); short protein forms M951V, M952V.
Identifiers: ClinVar variation 1367306 (VCV001367306.6), dbSNP rs1376255654, ClinGen allele CA395698677.

ClinVar aggregate classification (germline): Uncertain significance (1 of 4 stars; one submission).

Allele frequency attached by ClinVar (database versions not stated): TOPMed below 0.00001; gnomAD 0.00001; gnomAD exomes 0.00001.
gnomAD v4.1: 5 of 1,612,230 alleles (0.00031%); highest among the groups gnomAD compares: Admixed American, 0.0083%; no homozygotes.

Submission:

Labcorp Genetics (formerly Invitae), Labcorp
Classification: Uncertain significance. Last evaluated: 2026-01-01. Review status: criteria provided, single submitter. Criteria: Invitae Variant Classification Sherloc (09022015). Collection method: clinical testing. Allele origin: germline.
Comment: This sequence change replaces methionine, which is neutral and non-polar, with valine, which is neutral and non-polar, at codon 951 of the ITGAM protein (p.Met951Val). This variant is not present in population databases (gnomAD no frequency). This variant has not been reported in the literature in individuals affected with ITGAM-related conditions. ClinVar contains an entry for this variant (Variation ID: 1367306). An algorithm developed to predict the effect of missense changes on protein structure and function outputs the following: PolyPhen-2: "Benign". The valine amino acid residue is found in multiple mammalian species, which suggests that this missense change does not adversely affect protein function. In summary, the available evidence is currently insufficient to determine the role of this variant in disease. Therefore, it has been classified as a Variant of Uncertain Significance.